The following is an entry in ClinVar:

ClinVar aggregate classification (germline): Uncertain significance. Review status: criteria provided, multiple submitters, no conflicts (2 of 4 stars). 2 submissions from 2 submitters: Uncertain significance (2). Last evaluated 2025-10-07.

Allele frequency attached by ClinVar (database versions not stated): gnomAD exomes 0.00002; TOPMed 0.00003; gnomAD 0.00002; ExAC 0.00008.
gnomAD v4.1: 28 of 1,614,016 alleles (0.0017%); highest among the groups gnomAD compares: Admixed American, 0.017%; no homozygotes.

Submissions (2):

Mayo Clinic Laboratories, Mayo Clinic
Classification: Uncertain significance. Last evaluated: 2025-10-07. Review status: criteria provided, single submitter. Criteria: ACMG Guidelines, 2015. Collection method: clinical testing. Allele origin: germline. Observed: 1 variant allele.
Comment: BP4

Labcorp Genetics (formerly Invitae), Labcorp
Classification: Uncertain significance. Last evaluated: 2022-07-15. Review status: criteria provided, single submitter. Criteria: Invitae Variant Classification Sherloc (09022015). Collection method: clinical testing. Allele origin: germline.
Comment: This sequence change replaces arginine, which is basic and polar, with cysteine, which is neutral and slightly polar, at codon 3373 of the VPS13D protein (p.Arg3373Cys). This variant is present in population databases (rs752875063, gnomAD 0.02%). This variant has not been reported in the literature in individuals affected with VPS13D-related conditions. Algorithms developed to predict the effect of missense changes on protein structure and function are either unavailable or do not agree on the potential impact of this missense change (SIFT: "Deleterious"; PolyPhen-2: "Possibly Damaging"; Align-GVGD: "Class C0"). In summary, the available evidence is currently insufficient to determine the role of this variant in disease. Therefore, it has been classified as a Variant of Uncertain Significance.

NM_015378.4(VPS13D):c.10117C>T (p.Arg3373Cys)

Gene: VPS13D (vacuolar protein sorting 13 homolog D; plus strand). Cytogenetic location: 1p36.22.
Variant type: single nucleotide variant.
Coding change: c.10117C>T on transcript NM_015378.4 (MANE Select); coding-DNA position 10117, C replaced by T.
Protein change: p.Arg3373Cys; replaces arginine 3373 with cysteine.
Molecular consequence: missense variant.
Genome position (GRCh38, 1-based): chr1:12,358,577, C>T. VCF-style: chr1-12358577-C-T. GRCh37 (hg19) VCF-style: chr1-12418633-C-T.
Other names: p.Arg3373Cys; c.10042C>T, p.Arg3348Cys (NM_018156.4); short protein forms R3373C, R3348C.
Identifiers: ClinVar variation 2059978 (VCV002059978.4), dbSNP rs752875063, ClinGen allele CA603586.